The following is an entry in ClinVar:

NM_133510.4(RAD51B):c.957+5G>C

Gene: RAD51B (RAD51 paralog B; plus strand). Cytogenetic location: 14q24.1.
Variant type: single nucleotide variant.
Coding change: c.957+5G>C on transcript NM_133510.4 (MANE Select); 5 bases into the intron after coding-DNA position 957, G replaced by C.
Molecular consequence: intron variant.
Genome position (GRCh38, 1-based): chr14:68,411,532, G>C. VCF-style: chr14-68411532-G-C. GRCh37 (hg19) VCF-style: chr14-68878249-G-C.
Other names: c.957+5G>C (NM_001321818.2, NM_001321809.2, NM_001321821.2 and 6 more transcripts); c.600+5G>C (NM_001321817.2); c.843+5G>C (NM_001321815.1).
Identifiers: ClinVar variation 3786397 (VCV003786397.1).
Genomic context (GRCh38, chr14:68,411,532, plus strand): 5'-GTCACAGTGTGAATACCCGGCTGATCCTCCAGTACCTTGATTCAGAGAGAAGACAGGTGG[G>C]TGCTTTGACAGTATTCTCTGACTATGAAGGTCGGGGAATGAGATATACCAAGCAATCTGA-3'

ClinVar aggregate classification (germline): Uncertain significance (1 of 4 stars; one submission).

gnomAD v4.1: 13 of 1,611,654 alleles (0.00081%); highest among the groups gnomAD compares: Middle Eastern, 0.12%; no homozygotes.

Submission:

Ambry Genetics
Classification: Uncertain significance. Last evaluated: 2025-01-16. Review status: criteria provided, single submitter. Criteria: Ambry Variant Classification Scheme 2023. Collection method: clinical testing. Allele origin: germline.
Comment: The c.957+5G>C intronic variant results from a G to C substitution 5 nucleotides after coding exon 8 in the RAD51B gene. This nucleotide position is highly conserved in available vertebrate species. In silico splice site analysis predicts that this alteration will weaken the native splice donor site. The evidence for this gene-disease relationship is limited; therefore, the clinical significance of this alteration is unclear.